The following is an entry in ClinVar:

NM_001077350.3(NPRL3):c.804G>C (p.Lys268Asn)

Genes: HBA-LCR (alpha-globin locus control region; plus strand), NPRL3 (NPR3 like, GATOR1 complex subunit; minus strand). Cytogenetic location: 16p13.3.
Variant type: single nucleotide variant.
Coding change: c.804G>C on transcript NM_001077350.3 (MANE Select); coding-DNA position 804, G replaced by C.
Protein change: p.Lys268Asn; replaces lysine 268 with asparagine.
Molecular consequence: missense variant.
Genome position (GRCh38, 1-based): chr16:98,265, C>G on the plus strand (G>C on the coding strand, the complement: NPRL3 is on the minus strand). VCF-style: chr16-98265-C-G. GRCh37 (hg19) VCF-style: chr16-148263-C-G.
Other names: c.267G>C, p.Lys89Asn (NM_001039476.3); c.570G>C, p.Lys190Asn (NM_001243247.2); c.729G>C, p.Lys243Asn (NM_001243248.2, NM_001243249.2); short protein forms K190N, K243N, K268N, K89N.
Identifiers: ClinVar variation 1713421 (VCV001713421.5), dbSNP rs1899108651, ClinGen allele CA394055655.

ClinVar aggregate classification (germline): Uncertain significance (1 of 4 stars; one submission).

Conditions:
Epilepsy, familial focal, with variable foci 3 (FFEVF3). Identifiers: MedGen C4310708, MONDO:0014925, OMIM 617118.

Submission:

Labcorp Genetics (formerly Invitae), Labcorp
Classification: Uncertain significance for Epilepsy, familial focal, with variable foci 3. Last evaluated: 2022-09-07. Review status: criteria provided, single submitter. Criteria: Invitae Variant Classification Sherloc (09022015). Collection method: clinical testing. Allele origin: germline.
Comment: In summary, the available evidence is currently insufficient to determine the role of this variant in disease. Therefore, it has been classified as a Variant of Uncertain Significance. Experimental studies and prediction algorithms are not available or were not evaluated, and the functional significance of this variant is currently unknown. This variant has not been reported in the literature in individuals affected with NPRL3-related conditions. This variant is not present in population databases (gnomAD no frequency). This sequence change replaces lysine, which is basic and polar, with asparagine, which is neutral and polar, at codon 268 of the NPRL3 protein (p.Lys268Asn).